The following is an entry in ClinVar:

ClinVar aggregate classification (germline): Pathogenic (1 of 4 stars; one submission).

Conditions:
Spondyloenchondrodysplasia with immune dysregulation (SPENCDI). Also called: COMBINED IMMUNODEFICIENCY WITH AUTOIMMUNITY AND SPONDYLOMETAPHYSEAL DYSPLASIA; ROIFMAN IMMUNOSKELETAL SYNDROME; SPONDYLOENCHONDRODYSPLASIA WITH OR WITHOUT IMMUNE DYSREGULATION. Identifiers: Orphanet 1855, MedGen C1842763, MONDO:0011939, OMIM 607944.

Submission:

Labcorp Genetics (formerly Invitae), Labcorp
Classification: Pathogenic for Spondyloenchondrodysplasia with immune dysregulation. Last evaluated: 2020-09-08. Review status: criteria provided, single submitter. Criteria: Invitae Variant Classification Sherloc (09022015). Collection method: clinical testing. Allele origin: germline.
Comment: A gross deletion of the genomic region encompassing the full coding sequence of the ACP5 gene has been identified. The boundaries of this event are unknown as the deletion extends beyond the assayed region for this gene and therefore may encompass additional genes. This variant has been observed in individual(s) with clinical features of spondyloenchondrodysplasia with immune dysregulation (SPENCD) (PMID: 21217755). Loss-of-function variants in ACP5 are known to be pathogenic (PMID: 21217752, 21217755). For these reasons, this variant has been classified as Pathogenic.

Literature cited by the submitters: PubMed 21217755; PubMed 21217752.

NC_000019.9:g.(?_11685805)_(11688152_?)del

Gene: ACP5 (acid phosphatase 5, tartrate resistant; minus strand). Cytogenetic location: 19p13.2.
Variant type: Deletion.
Identifiers: ClinVar variation 1072535 (VCV001072535.1).